The following is an entry in ClinVar:

NM_152383.5(DIS3L2):c.1694G>A (p.Gly565Glu)

Gene: DIS3L2 (DIS3 like 3'-5' exoribonuclease 2; plus strand). Cytogenetic location: 2q37.1.
Variant type: single nucleotide variant.
Coding change: c.1694G>A on transcript NM_152383.5 (MANE Select); coding-DNA position 1694, G replaced by A.
Protein change: p.Gly565Glu; replaces glycine 565 with glutamic acid.
Molecular consequence: missense variant. On other transcripts: non-coding transcript variant (2), intron variant (1).
Genome position (GRCh38, 1-based): chr2:232,300,074, G>A. VCF-style: chr2-232300074-G-A. GRCh37 (hg19) VCF-style: chr2-233164784-G-A.
Other names: c.1581+36712G>A (NM_001257281.2); short protein forms G565E.
Identifiers: ClinVar variation 2718992 (VCV002718992.3), dbSNP rs1356041099, ClinGen allele CA350978573.

ClinVar aggregate classification (germline): Uncertain significance (1 of 4 stars; one submission).

Conditions:
Perlman syndrome (PRLMNS). Identifiers: Orphanet 2849, MedGen C0796113, MONDO:0009965, OMIM 267000.

Allele frequency attached by ClinVar (database versions not stated): TOPMed 0.00001.

Submission:

Labcorp Genetics (formerly Invitae), Labcorp
Classification: Uncertain significance for Perlman syndrome. Last evaluated: 2024-11-12. Review status: criteria provided, single submitter. Criteria: Invitae Variant Classification Sherloc (09022015). Collection method: clinical testing. Allele origin: germline.
Comment: This sequence change replaces glycine, which is neutral and non-polar, with glutamic acid, which is acidic and polar, at codon 565 of the DIS3L2 protein (p.Gly565Glu). This variant is not present in population databases (gnomAD no frequency). This variant has not been reported in the literature in individuals affected with DIS3L2-related conditions. ClinVar contains an entry for this variant (Variation ID: 2718992). Invitae Evidence Modeling of protein sequence and biophysical properties (such as structural, functional, and spatial information, amino acid conservation, physicochemical variation, residue mobility, and thermodynamic stability) indicates that this missense variant is not expected to disrupt DIS3L2 protein function with a negative predictive value of 80%. In summary, the available evidence is currently insufficient to determine the role of this variant in disease. Therefore, it has been classified as a Variant of Uncertain Significance.